The following is an entry in ClinVar:

NM_007294.4(BRCA1):c.4883del (p.Met1628fs)

Gene: BRCA1 (BRCA1 DNA repair associated; minus strand). Cytogenetic location: 17q21.31.
Variant type: Deletion.
Coding change: c.4883del on transcript NM_007294.4 (MANE Select); coding-DNA position 4883, one base deleted (T; older notation c.4883delT).
Protein change: p.Met1628fs; shifts the reading frame from methionine 1628.
Molecular consequence: frameshift variant. On other transcripts: intron variant (1).
Genome position (GRCh38, 1-based): chr17:43,071,031, A deleted on the plus strand (T on the coding strand, the reverse complement: BRCA1 is on the minus strand). VCF-style (leftmost placement, unchanged base first): chr17-43071030-CA-C. GRCh37 (hg19) VCF-style: chr17-41223047-CA-C.
Other names: c.4742del, p.Met1581fs (NM_001407692.1, NM_001407694.1, NM_001407695.1 and 13 more transcripts); c.4739del, p.Met1580fs (NM_001407732.1, NM_001407733.1, NM_001407734.1 and 21 more transcripts); c.4736del, p.Met1579fs (NM_001407838.1, NM_001407839.1, NM_001407841.1 and 12 more transcripts); c.4883del, p.Met1628fs (NM_001407854.1, NM_001407593.1, NM_001407594.1 and 8 more transcripts); c.4880del, p.Met1627fs (NM_001407858.1, NM_001407859.1, NM_001407860.1 and 17 more transcripts); c.4877del, p.Met1626fs (NM_001407861.1, NM_001407627.1, NM_001407628.1 and 14 more transcripts); c.4682del, p.Met1561fs (NM_001407862.1); c.4757del, p.Met1586fs (NM_001407863.1, NM_001407939.1, NM_001407940.1 and 11 more transcripts); and 73 more; short protein forms M1331fs, M1332fs, M1459fs, M1474fs, M1499fs, M1500fs, M1501fs, M1515fs.
Identifiers: ClinVar variation 2681815 (VCV002681815.1), dbSNP rs2550910145, ClinGen allele CA2697559920.

ClinVar aggregate classification (germline): Pathogenic (1 of 4 stars; one submission).

Submission:

Quest Diagnostics Nichols Institute San Juan Capistrano
Classification: Pathogenic. Last evaluated: 2023-02-07. Review status: criteria provided, single submitter. Criteria: Quest Diagnostics criteria. Collection method: clinical testing. Allele origin: unknown.
Comment: This frameshift variant alters the translational reading frame of the BRCA1 mRNA and causes the premature termination of BRCA1 protein synthesis. The variant has not been reported in individuals with BRCA1-related diseases in the published literature. It also has not been reported in large, multi-ethnic general populations. Based on the available information, this variant is classified as pathogenic.